The following is an entry in ClinVar:

NM_144643.4(SCLT1):c.327del (p.Lys109fs)

Gene: SCLT1 (sodium channel and clathrin linker 1; minus strand). Cytogenetic location: 4q28.2.
Variant type: Deletion.
Coding change: c.327del on transcript NM_144643.4 (MANE Select); coding-DNA position 327, one base deleted (A; older notation c.327delA).
Protein change: p.Lys109fs; shifts the reading frame from lysine 109.
Molecular consequence: frameshift variant.
Genome position (GRCh38, 1-based): chr4:129,003,840, T deleted on the plus strand (A on the coding strand, the reverse complement: SCLT1 is on the minus strand); the first of 8 consecutive T bases (chr4:129,003,840-129,003,847); deleting any one gives the same sequence. VCF-style (leftmost placement, unchanged base first): chr4-129003839-AT-A. GRCh37 (hg19) VCF-style: chr4-129924994-AT-A.
Other names: c.320delA, p.Lys109Asnfs (NM_001410807.1); short protein forms K109fs.
Identifiers: ClinVar variation 2062235 (VCV002062235.4), dbSNP rs772185859, ClinGen allele CA554755975.

ClinVar aggregate classification (germline): Pathogenic (1 of 4 stars; one submission).

Submission:

Labcorp Genetics (formerly Invitae), Labcorp
Classification: Pathogenic. Last evaluated: 2022-03-23. Review status: criteria provided, single submitter. Criteria: Invitae Variant Classification Sherloc (09022015). Collection method: clinical testing. Allele origin: germline.
Comment: The frequency data for this variant in the population databases is considered unreliable, as metrics indicate poor data quality at this position in the gnomAD database. For these reasons, this variant has been classified as Pathogenic. This variant has not been reported in the literature in individuals affected with SCLT1-related conditions. This sequence change creates a premature translational stop signal (p.Lys109Asnfs*11) in the SCLT1 gene. It is expected to result in an absent or disrupted protein product. Loss-of-function variants in SCLT1 are known to be pathogenic (PMID: 28005958).

Literature cited by the submitters: PubMed 28005958.